The following is an entry in ClinVar:

ClinVar aggregate classification (germline): Pathogenic (1 of 4 stars; one submission).

Conditions:
Osteogenesis imperfecta type I (OI1). Also called: OI, TYPE I; OSTEOGENESIS IMPERFECTA TARDA; OSTEOGENESIS IMPERFECTA WITH BLUE SCLERAE; Osteogenesis imperfecta type 1; Classic Non-deforming Osteogenesis Imperfecta with Blue Sclerae; Lobstein's Disease. Identifiers: Orphanet 216796, Orphanet 666, MedGen C0023931, MONDO:0008146, OMIM 166200. Disease mechanism: loss of function.

Submission:

Labcorp Genetics (formerly Invitae), Labcorp
Classification: Pathogenic for Osteogenesis imperfecta type I. Last evaluated: 2025-04-29. Review status: criteria provided, single submitter. Criteria: Invitae Variant Classification Sherloc (09022015). Collection method: clinical testing. Allele origin: germline.
Comment: This sequence change creates a premature translational stop signal (p.Glu1101Aspfs*8) in the COL1A1 gene. It is expected to result in an absent or disrupted protein product. Loss-of-function variants in COL1A1 are known to be pathogenic (PMID: 7942841, 9295084, 9443882). This variant is not present in population databases (gnomAD no frequency). This premature translational stop signal has been observed in individual(s) with osteogenesis imperfecta (internal data). ClinVar contains an entry for this variant (Variation ID: 1076244). For these reasons, this variant has been classified as Pathogenic.

Literature cited by the submitters: PubMed 7942841; PubMed 9295084; PubMed 9443882.

NM_000088.4(COL1A1):c.3302_3303insTTGTAACTATTATGAGTCCTAGTTGACTTGAAGTGGAGAAGGCTACGATTTTTTTGAAGCCGCCTAGTTTTAAGAGTACTGCGGCAAGTACTATTGACCCAGCGATGGGGGCTTCGACATGGGCTTTAGGGAGTCATAAGTGGAGTCCGTAAGGCGA (p.Glu1101delinsAspCysAsnTyrTyrGluSerTer)

Gene: COL1A1 (collagen type I alpha 1 chain; minus strand). Cytogenetic location: 17q21.33.
Variant type: Insertion.
Coding change: c.3302_3303insTTGTAACTATTATGAGTCCTAGTTGACTTGAAGTGGAGAAGGCTACGATTTTTTTGAAGCCGCCTAGTTTTAAGAGTACTGCGGCAAGTACTATTGACCCAGCGATGGGGGCTTCGACATGGGCTTTAGGGAGTCATAAGTGGAGTCCGTAAGGCGA on transcript NM_000088.4 (MANE Select); coding-DNA positions 3302 to 3303, TTGTAACTATTATGAGTCCTAGTTGACTTGAAGTGGAGAAGGCTACGATTTTTTTGAAGCCGCCTAGTTTTAAGAGTACTGCGGCAAGTACTATTGACCCAGCGATGGGGGCTTCGACATGGGCTTTAGGGAGTCATAAGTGGAGTCCGTAAGGCGA inserted.
Protein change: p.Glu1101delinsAspCysAsnTyrTyrGluSerTer.
Molecular consequence: nonsense.
Genome position: GRCh38: chr17:50,187,948-50,187,949. GRCh37 (hg19): chr17:48,265,309-48,265,310.
Identifiers: ClinVar variation 1076244 (VCV001076244.7), dbSNP rs2144542594, ClinGen allele CA2499224714.